The following is an entry in ClinVar:

ClinVar aggregate classification (germline): Conflicting classifications of pathogenicity. Review status: criteria provided, conflicting classifications (1 of 4 stars). 6 submissions from 6 submitters: Uncertain significance (3); Likely benign (1). 2 of the submissions do not count toward it. Last evaluated 2025-04-25.

Conditions:
BRCA2-related disorder. Also called: BRCA2-related condition; BRCA2-related disorders. Identifiers: MedGen CN239275.
Hereditary cancer-predisposing syndrome. Also called: Tumor predisposition; Hereditary Cancer Syndrome; Hereditary neoplastic syndrome; Neoplastic Syndromes, Hereditary. Identifiers: Orphanet 140162, MedGen C0027672, MeSH D009386, MONDO:0015356.
Hereditary breast ovarian cancer syndrome. Also called: Hereditary breast and ovarian cancer; Breast and ovarian cancer; BRCA1- and BRCA2-Associated Hereditary Breast and Ovarian Cancer; Hereditary breast and ovarian cancer syndrome; Hereditary breast and ovarian cancer syndrome (HBOC); Hereditary breast and/or ovarian cancer syndrome. Identifiers: Orphanet 145, MedGen C0677776, MeSH D061325, MONDO:0003582. Disease mechanism: loss of function.
Familial cancer of breast. Also called: hereditary breast carcinoma; BREAST CANCER, FAMILIAL; Hereditary breast cancer. Identifiers: Orphanet 227535, MedGen C0346153, MONDO:0016419, OMIM 114480. Disease mechanism: loss of function.
Breast-ovarian cancer, familial, susceptibility to, 2 (BROVCA2). Also called: BRCA2 Hereditary Breast and Ovarian Cancer. Identifiers: Orphanet 145, MedGen C2675520, MONDO:0012933, OMIM 612555. Disease mechanism: loss of function.

Allele frequency attached by ClinVar (database versions not stated): gnomAD below 0.00001 and 0.00001; gnomAD exomes below 0.00001.
gnomAD v4.1: 2 of 1,614,006 alleles (0.00012%); highest among the groups gnomAD compares: South Asian, 0.0022%; no homozygotes.

Submissions (6):

Ambry Genetics
Classification: Likely benign for Hereditary cancer-predisposing syndrome. Last evaluated: 2025-04-25. Review status: criteria provided, single submitter. Criteria: Ambry Variant Classification Scheme 2023. Collection method: clinical testing. Allele origin: germline.

Labcorp Genetics (formerly Invitae), Labcorp
Classification: Uncertain significance for Hereditary breast ovarian cancer syndrome. Last evaluated: 2024-11-02. Review status: criteria provided, single submitter. Criteria: Invitae Variant Classification Sherloc (09022015). Collection method: clinical testing. Allele origin: germline.
Comment: This sequence change replaces methionine, which is neutral and non-polar, with arginine, which is basic and polar, at codon 2493 of the BRCA2 protein (p.Met2493Arg). This variant is present in population databases (no rsID available, gnomAD 0.003%). This missense change has been observed in individual(s) with personal and/or family history of breast cancer (PMID: 21120943). ClinVar contains an entry for this variant (Variation ID: 236904). Invitae Evidence Modeling of protein sequence and biophysical properties (such as structural, functional, and spatial information, amino acid conservation, physicochemical variation, residue mobility, and thermodynamic stability) indicates that this missense variant is not expected to disrupt BRCA2 protein function with a negative predictive value of 95%. In summary, the available evidence is currently insufficient to determine the role of this variant in disease. Therefore, it has been classified as a Variant of Uncertain Significance.

Quest Diagnostics Nichols Institute San Juan Capistrano
Classification: Uncertain significance. Last evaluated: 2024-08-20. Review status: criteria provided, single submitter. Criteria: Quest Diagnostics criteria. Collection method: clinical testing. Allele origin: unknown.
Comment: The BRCA2 c.7478T>G (p.Met2493Arg) variant has been reported in the published literature in an individual with a personal and/or family history of breast and/or ovarian cancer (PMID: 21120943 (2011)). The frequency of this variant in the general population, 0.000004 (1/251442 chromosomes (Genome Aggregation Database)), is uninformative in the assessment of its pathogenicity. Analysis of this variant using bioinformatics tools for the prediction of the effect of amino acid changes on protein structure and function yielded predictions that this variant is damaging. Based on the available information, we are unable to determine the clinical significance of this variant.

Baylor Genetics
Classification: Uncertain significance for Familial cancer of breast. Last evaluated: 2023-10-24. Review status: criteria provided, single submitter. Criteria: ACMG Guidelines, 2015. Collection method: clinical testing. Allele origin: unknown.

PreventionGenetics, part of Exact Sciences
Classification: Uncertain significance for BRCA2-related condition. Last evaluated: 2024-06-26. Review status: no assertion criteria provided. Collection method: clinical testing. Allele origin: germline. Not counted in ClinVar's aggregate classification.
Comment: The BRCA2 c.7478T>G variant is predicted to result in the amino acid substitution p.Met2493Arg. To our knowledge, this variant has been reported in the literature in an individual with a personal and/or family history of breast cancer and was interpreted as uncertain significance (Caux-Moncoutier V et al. 2011. PubMed ID: 21120943). This variant is reported in 0.0033% of alleles in individuals of South Asian descent in gnomAD. This variant is classified as a variant of uncertain significance in ClinVar with multiple submitters in agreement. At this time, the clinical significance of this variant is uncertain due to the absence of conclusive functional and genetic evidence.

Sharing Clinical Reports Project (SCRP)
Classification: Uncertain significance for Breast-ovarian cancer, familial 2. Last evaluated: 2012-06-14. Review status: no assertion criteria provided. Collection method: clinical testing. Allele origin: germline. Not counted in ClinVar's aggregate classification.

Literature cited by the submitters: PubMed 21120943 (cited by 3 submitters); PubMed 29884841 (cited by Ambry Genetics).

NM_000059.4(BRCA2):c.7478T>G (p.Met2493Arg)

Gene: BRCA2 (BRCA2 DNA repair associated; plus strand). Cytogenetic location: 13q13.1.
Variant type: single nucleotide variant.
Coding change: c.7478T>G on transcript NM_000059.4 (MANE Select); coding-DNA position 7478, T replaced by G.
Protein change: p.Met2493Arg; replaces methionine 2493 with arginine.
Molecular consequence: missense variant.
Genome position (GRCh38, 1-based): chr13:32,356,470, T>G. VCF-style: chr13-32356470-T-G. GRCh37 (hg19) VCF-style: chr13-32930607-T-G.
Other names: 7706T>G; short protein forms M2493R.
Identifiers: ClinVar variation 236904 (VCV000236904.19), dbSNP rs863224597, ClinGen allele CA10583131.